The following is an entry in ClinVar:

NM_001290043.2(TAP2):c.2020G>A (p.Val674Met)

Gene: TAP2 (transporter 2, ATP binding cassette subfamily B member; minus strand). Cytogenetic location: 6p21.32.
Variant type: single nucleotide variant.
Coding change: c.2020G>A on transcript NM_001290043.2 (MANE Select); coding-DNA position 2020, G replaced by A.
Protein change: p.Val674Met; replaces valine 674 with methionine.
Molecular consequence: missense variant. On other transcripts: intron variant (1).
Genome position (GRCh38, 1-based): chr6:32,828,947, C>T on the plus strand (G>A on the coding strand, the complement: TAP2 is on the minus strand). VCF-style: chr6-32828947-C-T. GRCh37 (hg19) VCF-style: chr6-32796724-C-T.
Other names: c.2020G>A, p.Val674Met (NM_000544.3); c.1932+453G>A (NM_018833.3); short protein forms V674M.
Identifiers: ClinVar variation 1044539 (VCV001044539.4), dbSNP rs763950001, ClinGen allele CA3745737.

ClinVar aggregate classification (germline): Uncertain significance (1 of 4 stars; one submission).

Conditions:
MHC class I deficiency. Identifiers: Orphanet 34592, MedGen C6024714, MONDO:0011476.

Allele frequency attached by ClinVar (database versions not stated): TOPMed 0.00015; ExAC 0.00038; gnomAD 0.00009 and 0.00006; gnomAD exomes 0.00006 and 0.00009.
gnomAD v4.1: 104 of 1,546,868 alleles (0.0067%); highest among the groups gnomAD compares: South Asian, 0.034%; 1 homozygote.

Submission:

Labcorp Genetics (formerly Invitae), Labcorp
Classification: Uncertain significance for MHC class I deficiency 1. Last evaluated: 2022-11-01. Review status: criteria provided, single submitter. Criteria: Invitae Variant Classification Sherloc (09022015). Collection method: clinical testing. Allele origin: germline.
Comment: This sequence change replaces valine, which is neutral and non-polar, with methionine, which is neutral and non-polar, at codon 674 of the TAP2 protein (p.Val674Met). This variant is present in population databases (rs763950001, gnomAD 0.03%). This variant has not been reported in the literature in individuals affected with TAP2-related conditions. ClinVar contains an entry for this variant (Variation ID: 1044539). Algorithms developed to predict the effect of missense changes on protein structure and function are either unavailable or do not agree on the potential impact of this missense change (SIFT: "Deleterious"; PolyPhen-2: "Not Available"; Align-GVGD: "Class C0"). In summary, the available evidence is currently insufficient to determine the role of this variant in disease. Therefore, it has been classified as a Variant of Uncertain Significance.